The following is an entry in ClinVar:

ClinVar aggregate classification (germline): Pathogenic (1 of 4 stars; one submission).

Submission:

Labcorp Genetics (formerly Invitae), Labcorp
Classification: Pathogenic. Last evaluated: 2022-07-27. Review status: criteria provided, single submitter. Criteria: Invitae Variant Classification Sherloc (09022015). Collection method: clinical testing. Allele origin: germline.
Comment: For these reasons, this variant has been classified as Pathogenic. This variant has not been reported in the literature in individuals affected with SLC25A4-related conditions. This variant is not present in population databases (gnomAD no frequency). This sequence change creates a premature translational stop signal (p.Ser46Aspfs*4) in the SLC25A4 gene. It is expected to result in an absent or disrupted protein product. Loss-of-function variants in SLC25A4 are known to be pathogenic (PMID: 23401503, 25732997).

Literature cited by the submitters: PubMed 23401503; PubMed 25732997.

NM_001151.4(SLC25A4):c.131_134dup (p.Ser46fs)

Gene: SLC25A4 (solute carrier family 25 member 4; plus strand). Cytogenetic location: 4q35.1.
Variant type: Duplication.
Coding change: c.131_134dup on transcript NM_001151.4 (MANE Select); coding-DNA positions 131 to 134, 4 bases duplicated (AGAT; older notation c.131_134dupAGAT).
Protein change: p.Ser46fs; shifts the reading frame from serine 46.
Molecular consequence: frameshift variant.
Genome position (GRCh38, 1-based): chr4:185,144,783-185,144,786, AGAT duplicated. VCF-style (leftmost placement, unchanged base first): chr4-185144782-C-CAGAT. GRCh37 (hg19) VCF-style: chr4-186065936-C-CAGAT.
Other names: short protein forms S46fs.
Identifiers: ClinVar variation 2019911 (VCV002019911.4), dbSNP rs2477168490, ClinGen allele CA2580071691.